The following is an entry in ClinVar:

NM_024652.6(LRRK1):c.5871-3C>T

Genes: LRRK1 (leucine rich repeat kinase 1; plus strand), LRRK1-AS1 (LRRK1 antisense RNA 1; minus strand). Cytogenetic location: 15q26.3.
Variant type: single nucleotide variant.
Coding change: c.5871-3C>T on transcript NM_024652.6 (MANE Select); 3 bases into the intron before coding-DNA position 5871, C replaced by T.
Molecular consequence: intron variant.
Genome position (GRCh38, 1-based): chr15:101,068,668, C>T. VCF-style: chr15-101068668-C-T. GRCh37 (hg19) VCF-style: chr15-101608873-C-T.
Identifiers: ClinVar variation 1438749 (VCV001438749.6), dbSNP rs375089171, ClinGen allele CA7762298.
Genomic context (GRCh38, chr15:101,068,668, plus strand): 5'-GGGTCCCAACCCCACCCGAGTGGGAACCCCTGTGAGTTTCCTCAGACCCCCTTCTCTCTG[C>T]AGGGTGCTGGTGGATGCTGCCGTGGTGGCAAAGGACACTGTTGTGTGCACCTTTGAAAAT-3'

ClinVar aggregate classification (germline): Uncertain significance (1 of 4 stars; one submission).

Allele frequency attached by ClinVar (database versions not stated): ExAC 0.00002; TOPMed 0.00002; gnomAD 0.00003 and 0.00004; gnomAD exomes 0.00003 and 0.00004; ESP Exome Variant Server 0.00008.

Submission:

Labcorp Genetics (formerly Invitae), Labcorp
Classification: Uncertain significance. Last evaluated: 2025-03-22. Review status: criteria provided, single submitter. Criteria: Invitae Variant Classification Sherloc (09022015). Collection method: clinical testing. Allele origin: germline.
Comment: This sequence change falls in intron 33 of the LRRK1 gene. It does not directly change the encoded amino acid sequence of the LRRK1 protein. It affects a nucleotide within the consensus splice site. This variant is present in population databases (rs375089171, gnomAD 0.006%). This variant has not been reported in the literature in individuals affected with LRRK1-related conditions. ClinVar contains an entry for this variant (Variation ID: 1438749). Variants that disrupt the consensus splice site are a relatively common cause of aberrant splicing (PMID: 17576681, 9536098). Algorithms developed to predict the effect of sequence changes on RNA splicing suggest that this variant is not likely to affect RNA splicing. In summary, the available evidence is currently insufficient to determine the role of this variant in disease. Therefore, it has been classified as a Variant of Uncertain Significance.

Literature cited by the submitters: PubMed 17576681; PubMed 9536098.